The following is an entry in ClinVar:

NM_182493.3(MYLK3):c.2400+1G>A

Gene: MYLK3 (myosin light chain kinase 3; minus strand). Cytogenetic location: 16q11.2.
Variant type: single nucleotide variant.
Coding change: c.2400+1G>A on transcript NM_182493.3 (MANE Select); the canonical splice donor site of the intron after coding-DNA position 2400, G replaced by A.
Molecular consequence: splice donor variant.
Genome position (GRCh38, 1-based): chr16:46,709,538, C>T on the plus strand (G>A on the coding strand, the complement: MYLK3 is on the minus strand). VCF-style: chr16-46709538-C-T. GRCh37 (hg19) VCF-style: chr16-46743450-C-T.
Other names: c.1377+1G>A (NM_001308301.1).
Identifiers: ClinVar variation 2983006 (VCV002983006.3), dbSNP rs1966661114, ClinGen allele CA395785521.

ClinVar aggregate classification (germline): Uncertain significance (1 of 4 stars; one submission).

Allele frequency attached by ClinVar (database versions not stated): gnomAD exomes below 0.00001; TOPMed 0.00001.
gnomAD v4.1: 3 of 1,612,814 alleles (0.00019%); highest among the groups gnomAD compares: Non-Finnish European, 0.00025%; no homozygotes.

Submission:

Labcorp Genetics (formerly Invitae), Labcorp
Classification: Uncertain significance. Last evaluated: 2025-11-10. Review status: criteria provided, single submitter. Criteria: Invitae Variant Classification Sherloc (09022015). Collection method: clinical testing. Allele origin: germline.
Comment: This sequence change falls in intron 12 of the MYLK3 gene. It does not directly change the encoded amino acid sequence of the MYLK3 protein. It affects a nucleotide within the consensus splice site. This variant is not present in population databases (gnomAD no frequency). This variant has not been reported in the literature in individuals affected with MYLK3-related conditions. ClinVar contains an entry for this variant (Variation ID: 2983006). Variants that disrupt the consensus splice site are a relatively common cause of aberrant splicing (PMID: 17576681, 9536098). Algorithms developed to predict the effect of sequence changes on RNA splicing suggest that this variant may disrupt the consensus splice site. In summary, the available evidence is currently insufficient to determine the role of this variant in disease. Therefore, it has been classified as a Variant of Uncertain Significance.

Literature cited by the submitters: PubMed 17576681; PubMed 9536098.